The following is an entry in ClinVar:

NM_032409.3(PINK1):c.668A>T (p.Asn223Ile)

Gene: PINK1 (PTEN induced kinase 1; plus strand). Cytogenetic location: 1p36.12.
Variant type: single nucleotide variant.
Coding change: c.668A>T on transcript NM_032409.3 (MANE Select); coding-DNA position 668, A replaced by T.
Protein change: p.Asn223Ile; replaces asparagine 223 with isoleucine.
Molecular consequence: missense variant.
Genome position (GRCh38, 1-based): chr1:20,638,122, A>T. VCF-style: chr1-20638122-A-T. GRCh37 (hg19) VCF-style: chr1-20964615-A-T.
Other names: short protein forms N223I.
Identifiers: ClinVar variation 2854786 (VCV002854786.3), dbSNP rs1456585417, ClinGen allele CA338857969.

ClinVar aggregate classification (germline): Uncertain significance (1 of 4 stars; one submission).

Conditions:
Autosomal recessive early-onset Parkinson disease 6 (PARK6). Also called: PARKINSON DISEASE 6, EARLY-ONSET; PINK1-Related Parkinson Disease; PINK1 Type of Young-Onset Parkinson Disease; PARKINSON DISEASE 6, MODIFIER OF. Identifiers: Orphanet 2828, MedGen C1853833, MONDO:0011613, OMIM 605909.

Submission:

Labcorp Genetics (formerly Invitae), Labcorp
Classification: Uncertain significance for Autosomal recessive early-onset Parkinson disease 6. Last evaluated: 2024-03-04. Review status: criteria provided, single submitter. Criteria: Invitae Variant Classification Sherloc (09022015). Collection method: clinical testing. Allele origin: germline.
Comment: This sequence change replaces asparagine, which is neutral and polar, with isoleucine, which is neutral and non-polar, at codon 223 of the PINK1 protein (p.Asn223Ile). This variant is not present in population databases (gnomAD no frequency). This variant has not been reported in the literature in individuals affected with PINK1-related conditions. Advanced modeling of protein sequence and biophysical properties (such as structural, functional, and spatial information, amino acid conservation, physicochemical variation, residue mobility, and thermodynamic stability) performed at Invitae indicates that this missense variant is expected to disrupt PINK1 protein function with a positive predictive value of 80%. In summary, the available evidence is currently insufficient to determine the role of this variant in disease. Therefore, it has been classified as a Variant of Uncertain Significance.